The following is an entry in ClinVar:

ClinVar aggregate classification (germline): Likely pathogenic (1 of 4 stars; one submission).

Conditions:
Hypomagnesemia, seizures, and impaired intellectual development 1. Also called: Hypomagnesemia, seizures, and intellectual disability 1. Identifiers: Orphanet 34527, MedGen C4225333, MONDO:0020787, OMIM 616418.

Submission:

3billion
Classification: Likely pathogenic for Hypomagnesemia, seizures, and impaired intellectual development 1. Last evaluated: 2025-12-24. Review status: criteria provided, single submitter. Criteria: ACMG Guidelines, 2015. Collection method: clinical testing. Allele origin: germline. Affected: yes.
Comment: The variant is not observed in the gnomAD v4.1.0 dataset. Predicted Consequence/Location: Frameshift: predicted to result in a loss or disruption of normal protein function through nonsense-mediated decay (NMD) or protein truncation. Multiple pathogenic variants are reported downstream of the variant. Therefore, this variant is classified as Likely pathogenic according to the recommendation of ACMG/AMP guideline.

NM_017649.5(CNNM2):c.149_174dup (p.Gly59delinsArgCysSerCysTer)

Gene: CNNM2 (cyclin and CBS domain divalent metal cation transport mediator 2; plus strand). Cytogenetic location: 10q24.32.
Variant type: Duplication.
Coding change: c.149_174dup on transcript NM_017649.5 (MANE Select); coding-DNA positions 149 to 174, 26 bases duplicated (CGCTGCTCCTGCTGAGCTGCTGCTGC).
Protein change: p.Gly59delinsArgCysSerCysTer.
Molecular consequence: nonsense.
Genome position (GRCh38, 1-based): chr10:102,918,629-102,918,654, CGCTGCTCCTGCTGAGCTGCTGCTGC duplicated; duplicating any 26 consecutive bases within chr10:102,918,621-102,918,654 gives the same sequence; the c. name uses the placement nearest the transcript's 3' end. VCF-style (leftmost placement, unchanged base first): chr10-102918620-G-GGCTGCTGCCGCTGCTCCTGCTGAGCT. GRCh37 (hg19) VCF-style: chr10-104678377-G-GGCTGCTGCCGCTGCTCCTGCTGAGCT.
Other names: c.149_174dup, p.Gly59delinsArgCysSerCysTer (NM_199076.3, NM_199077.3).
Identifiers: ClinVar variation 4856344 (VCV004856344.1).